The following is an entry in ClinVar:

ClinVar aggregate classification (germline): Likely pathogenic. Review status: criteria provided, multiple submitters, no conflicts (2 of 4 stars). 2 submissions from 2 submitters: Likely pathogenic (2). Last evaluated 2026-03-13.

Conditions:
Familial dysautonomia. Also called: FD; HSAN III. Identifiers: Orphanet 1764, MedGen C0013364, MONDO:0009131, OMIM 223900. Disease mechanism: loss of function.

Submissions (2):

Myriad Genetics, Inc.
Classification: Likely pathogenic for Familial dysautonomia. Last evaluated: 2026-03-13. Review status: criteria provided, single submitter. Criteria: Myriad Autosomal Dominant, Autosomal Recessive and X-Linked Classification Criteria (2023). Collection method: clinical testing. Allele origin: unknown.
Comment: NM_003640.3(ELP1):c.1909-2A>G is a variant in a canonical splice site classified as likely pathogenic in the context of familial dysautonomia. c.1909-2A>G has not been observed in cases with relevant disease. Relevant functional assessments of this variant are not available in the literature. c.1909-2A>G has not been observed in referenced population frequency databases. In summary, NM_003640.3(ELP1):c.1909-2A>G is a variant in a canonical splice site in a gene where loss of function is a known mechanism of disease and is predicted to disrupt protein function. Please note: this variant was assessed in the context of healthy population screening.

Women's Health and Genetics/Laboratory Corporation of America, LabCorp
Classification: Likely pathogenic for Familial dysautonomia. Last evaluated: 2024-07-09. Review status: criteria provided, single submitter. Criteria: LabCorp Variant Classification Summary - May 2015. Collection method: clinical testing. Allele origin: germline.
Comment: Variant summary: ELP1 c.1909-2A>G is located in a canonical splice-site and is predicted to affect mRNA splicing resulting in a significantly altered protein due to either exon skipping, shortening, or inclusion of intronic material. Several computational tools predict a significant impact on normal splicing: Four predict the variant abolishes a canonical 3' acceptor site. However, these predictions have yet to be confirmed by functional studies. The variant was absent in 251218 control chromosomes (gnomAD). To our knowledge, no occurrence of c.1909-2A>G in individuals affected with Familial Dysautonomia and no experimental evidence demonstrating its impact on protein function have been reported. No submitters have cited clinical-significance assessments for this variant to ClinVar. Based on the evidence outlined above, the variant was classified as likely pathogenic.

NM_003640.5(ELP1):c.1909-2A>G

Gene: ELP1 (elongator acetyltransferase complex subunit 1; minus strand). Cytogenetic location: 9q31.3.
Variant type: single nucleotide variant.
Coding change: c.1909-2A>G on transcript NM_003640.5 (MANE Select); the canonical splice acceptor site of the intron before coding-DNA position 1909, A replaced by G.
Molecular consequence: splice acceptor variant.
Genome position (GRCh38, 1-based): chr9:108,901,532, T>C on the plus strand (A>G on the coding strand, the complement: ELP1 is on the minus strand). VCF-style: chr9-108901532-T-C. GRCh37 (hg19) VCF-style: chr9-111663812-T-C.
Other names: c.1567-2A>G (NM_001318360.2); c.862-2A>G (NM_001330749.2).
Identifiers: ClinVar variation 3339013 (VCV003339013.2).